The following is an entry in ClinVar:

ClinVar aggregate classification (germline): Benign/Likely benign. Review status: criteria provided, multiple submitters, no conflicts (2 of 4 stars). 4 submissions from 4 submitters: Benign (2); Likely benign (1). 1 of the submissions does not count toward it. Last evaluated 2026-01-21.

Conditions:
TRAPPC12-related disorder. Also called: TRAPPC12-related condition.

Allele frequency attached by ClinVar (database versions not stated): ESP Exome Variant Server 0.00015; gnomAD 0.00063 and 0.00089; TOPMed 0.00104; gnomAD exomes 0.00185; ExAC 0.00211; 1000 Genomes Project 0.00300; 1000 Genomes Project 30x 0.00312.
gnomAD v4.1: 1,181 of 1,612,926 alleles (0.073%); highest among the groups gnomAD compares: East Asian, 1.6%; 3 homozygotes.

Submissions (4):

Labcorp Genetics (formerly Invitae), Labcorp
Classification: Benign. Last evaluated: 2026-01-21. Review status: criteria provided, single submitter. Criteria: Invitae Variant Classification Sherloc (09022015). Collection method: clinical testing. Allele origin: germline.

Blueprint Genetics
Classification: Likely benign. Last evaluated: 2024-11-08. Review status: criteria provided, single submitter. Criteria: ACMG Guidelines, 2015. Collection method: clinical testing. Allele origin: germline.

Breakthrough Genomics
Classification: Benign. Review status: criteria provided, single submitter. Criteria: ACMG Guidelines, 2015. Collection method: not provided. Allele origin: germline. Inheritance: Autosomal recessive inheritance. Affected: yes.

PreventionGenetics, part of Exact Sciences
Classification: Likely benign for TRAPPC12-related condition. Last evaluated: 2024-04-09. Review status: no assertion criteria provided. Collection method: clinical testing. Allele origin: germline. Not counted in ClinVar's aggregate classification.
Comment: This variant is classified as likely benign based on ACMG/AMP sequence variant interpretation guidelines (Richards et al. 2015 PMID: 25741868, with internal and published modifications).

NM_016030.6(TRAPPC12):c.145G>A (p.Glu49Lys)

Gene: TRAPPC12 (trafficking protein particle complex subunit 12; plus strand). Cytogenetic location: 2p25.3.
Variant type: single nucleotide variant.
Coding change: c.145G>A on transcript NM_016030.6 (MANE Select); coding-DNA position 145, G replaced by A.
Protein change: p.Glu49Lys; replaces glutamic acid 49 with lysine.
Molecular consequence: missense variant.
Genome position (GRCh38, 1-based): chr2:3,387,768, G>A. VCF-style: chr2-3387768-G-A. GRCh37 (hg19) VCF-style: chr2-3391539-G-A.
Other names: c.145G>A, p.Glu49Lys (NM_001321102.2); c.145G>A (NM_016030.5); short protein forms E49K.
Identifiers: ClinVar variation 1530005 (VCV001530005.12), dbSNP rs117747228, ClinGen allele CA1515023.